The following is an entry in ClinVar:

ClinVar aggregate classification (germline): Uncertain significance (1 of 4 stars; one submission).

Submission:

Labcorp Genetics (formerly Invitae), Labcorp
Classification: Uncertain significance. Last evaluated: 2022-11-25. Review status: criteria provided, single submitter. Criteria: Invitae Variant Classification Sherloc (09022015). Collection method: clinical testing. Allele origin: germline.
Comment: In summary, the available evidence is currently insufficient to determine the role of this variant in disease. Therefore, it has been classified as a Variant of Uncertain Significance. Advanced modeling of protein sequence and biophysical properties (such as structural, functional, and spatial information, amino acid conservation, physicochemical variation, residue mobility, and thermodynamic stability) performed at Invitae indicates that this missense variant is not expected to disrupt DNA2 protein function. This variant has not been reported in the literature in individuals affected with DNA2-related conditions. This variant is not present in population databases (gnomAD no frequency). This sequence change replaces serine, which is neutral and polar, with proline, which is neutral and non-polar, at codon 397 of the DNA2 protein (p.Ser397Pro).

NM_001080449.3(DNA2):c.1189T>C (p.Ser397Pro)

Gene: DNA2 (DNA replication helicase/nuclease 2; minus strand). Cytogenetic location: 10q21.3.
Variant type: single nucleotide variant.
Coding change: c.1189T>C on transcript NM_001080449.3 (MANE Select); coding-DNA position 1189, T replaced by C.
Protein change: p.Ser397Pro; replaces serine 397 with proline.
Molecular consequence: missense variant. On other transcripts: non-coding transcript variant (1).
Genome position (GRCh38, 1-based): chr10:68,444,952, A>G on the plus strand (T>C on the coding strand, the complement: DNA2 is on the minus strand). VCF-style: chr10-68444952-A-G. GRCh37 (hg19) VCF-style: chr10-70204709-A-G.
Other names: short protein forms S397P.
Identifiers: ClinVar variation 2816622 (VCV002816622.3), dbSNP rs2493958989, ClinGen allele CA376862485.